The following is an entry in ClinVar:

NM_005051.3(QARS1):c.1164+6G>A

Gene: QARS1 (glutaminyl-tRNA synthetase 1; minus strand). Cytogenetic location: 3p21.31.
Variant type: single nucleotide variant.
Coding change: c.1164+6G>A on transcript NM_005051.3 (MANE Select); 6 bases into the intron after coding-DNA position 1164, G replaced by A.
Molecular consequence: intron variant.
Genome position (GRCh38, 1-based): chr3:49,100,184, C>T on the plus strand (G>A on the coding strand, the complement: QARS1 is on the minus strand). VCF-style: chr3-49100184-C-T. GRCh37 (hg19) VCF-style: chr3-49137617-C-T.
Other names: c.1131+6G>A (NM_001272073.2).
Identifiers: ClinVar variation 477825 (VCV000477825.8), dbSNP rs1553751939, ClinGen allele CA658657299.

ClinVar aggregate classification (germline): Uncertain significance (1 of 4 stars; one submission).

Conditions:
Diffuse cerebral and cerebellar atrophy - intractable seizures - progressive microcephaly syndrome. Also called: Microcephaly, progressive, with seizures and cerebral and cerebellar atrophy. Identifiers: Orphanet 404437, MedGen C4014239, MONDO:0014335, OMIM 615760.

Submission:

Labcorp Genetics (formerly Invitae), Labcorp
Classification: Uncertain significance for Diffuse cerebral and cerebellar atrophy - intractable seizures - progressive microcephaly syndrome. Last evaluated: 2018-10-07. Review status: criteria provided, single submitter. Criteria: Invitae Variant Classification Sherloc (09022015). Collection method: clinical testing. Allele origin: germline.
Comment: In summary, the available evidence is currently insufficient to determine the role of this variant in disease. Therefore, it has been classified as a Variant of Uncertain Significance. Nucleotide substitutions within the consensus splice site are a relatively common cause of aberrant splicing (PMID: 17576681, 9536098). Algorithms developed to predict the effect of sequence changes on RNA splicing suggest that this variant is not likely to affect RNA splicing, but this prediction has not been confirmed by published transcriptional studies. This variant has not been reported in the literature in individuals with QARS-related disease. ClinVar contains an entry for this variant (Variation ID: 477825). This variant is not present in population databases (ExAC no frequency). This sequence change falls in intron 13 of the QARS gene. It does not directly change the encoded amino acid sequence of the QARS protein, but it affects a nucleotide within the consensus splice site of the intron.

Literature cited by the submitters: PubMed 17576681; PubMed 9536098.